The following is an entry in ClinVar:

NM_004415.4(DSP):c.3544G>C (p.Gly1182Arg)

Gene: DSP (desmoplakin; plus strand). Cytogenetic location: 6p24.3.
Variant type: single nucleotide variant.
Coding change: c.3544G>C on transcript NM_004415.4 (MANE Select); coding-DNA position 3544, G replaced by C.
Protein change: p.Gly1182Arg; replaces glycine 1182 with arginine.
Molecular consequence: missense variant.
Genome position (GRCh38, 1-based): chr6:7,579,734, G>C. VCF-style: chr6-7579734-G-C. GRCh37 (hg19) VCF-style: chr6-7579967-G-C.
Other names: c.3544G>C, p.Gly1182Arg (NM_001008844.3, NM_001319034.2); short protein forms G1182R.
Identifiers: ClinVar variation 919517 (VCV000919517.5), dbSNP rs1581815823, ClinGen allele CA362684305.
Genomic context (GRCh38, chr6:7,579,734, plus strand): 5'-AAAGCCATCAAGGAGAAGGAGTACGAGATTGAAAGGTTGAGGGTTCTACTGCAGGAAGAA[G>C]GCACCCGGAAGAGAGAATATGAAAATGAGCTGGCAAAGGTAAGAAACCACTATAATGAGG-3'
Protein context (NP_004406.2, residues 1172-1192): ERLRVLLQEE[Gly1182Arg]TRKREYENEL

ClinVar aggregate classification (germline): Uncertain significance (1 of 4 stars; one submission).

Conditions:
Cardiomyopathy (CMYO). Also called: Cardiomyopathies. Identifiers: Orphanet 167848, MedGen C0878544, MONDO:0004994, HP:0001638. Inheritance: Various modes of inheritance.

Submission:

Color Diagnostics, LLC DBA Color Health
Classification: Uncertain significance for Cardiomyopathy. Last evaluated: 2023-12-05. Review status: criteria provided, single submitter. Criteria: ACMG Guidelines, 2015. Collection method: clinical testing. Allele origin: germline.
Comment: This missense variant replaces glycine with arginine at codon 1182 of the DSP protein. Computational prediction tools and conservation analyses are inconclusive regarding the impact of this variant on the protein function. Computational splicing tools suggest that this variant may not impact RNA splicing. To our knowledge, functional assays have not been performed for this variant nor has this variant been reported in individuals affected with cardiovascular disorders in the literature. This variant has not been identified in the general population by the Genome Aggregation Database (gnomAD). Available evidence is insufficient to determine the role of this variant in disease conclusively. Therefore, this variant is classified as a Variant of Uncertain Significance.